The following is an entry in ClinVar:

ClinVar aggregate classification (germline): Uncertain significance (1 of 4 stars; one submission).

Allele frequency attached by ClinVar (database versions not stated): TOPMed below 0.00001.

Submission:

Labcorp Genetics (formerly Invitae), Labcorp
Classification: Uncertain significance. Last evaluated: 2022-03-12. Review status: criteria provided, single submitter. Criteria: Invitae Variant Classification Sherloc (09022015). Collection method: clinical testing. Allele origin: germline.
Comment: This sequence change replaces isoleucine, which is neutral and non-polar, with threonine, which is neutral and polar, at codon 1178 of the CARMIL2 protein (p.Ile1178Thr). This variant is not present in population databases (gnomAD no frequency). This variant has not been reported in the literature in individuals affected with CARMIL2-related conditions. Algorithms developed to predict the effect of missense changes on protein structure and function are either unavailable or do not agree on the potential impact of this missense change (SIFT: "Tolerated"; PolyPhen-2: "Probably Damaging"; Align-GVGD: "Class C0"). In summary, the available evidence is currently insufficient to determine the role of this variant in disease. Therefore, it has been classified as a Variant of Uncertain Significance.

NM_001013838.3(CARMIL2):c.3533T>C (p.Ile1178Thr)

Gene: CARMIL2 (capping protein regulator and myosin 1 linker 2; plus strand). Cytogenetic location: 16q22.1.
Variant type: single nucleotide variant.
Coding change: c.3533T>C on transcript NM_001013838.3 (MANE Select); coding-DNA position 3533, T replaced by C.
Protein change: p.Ile1178Thr; replaces isoleucine 1178 with threonine.
Molecular consequence: missense variant.
Genome position (GRCh38, 1-based): chr16:67,654,643, T>C. VCF-style: chr16-67654643-T-C. GRCh37 (hg19) VCF-style: chr16-67688546-T-C.
Other names: c.3425T>C, p.Ile1142Thr (NM_001317026.3); short protein forms I1178T, I1142T.
Identifiers: ClinVar variation 2109589 (VCV002109589.4), dbSNP rs2052803010, ClinGen allele CA396345314.